The following is an entry in ClinVar:

NM_000138.5(FBN1):c.4691G>A (p.Cys1564Tyr)

Gene: FBN1 (fibrillin 1; minus strand). Cytogenetic location: 15q21.1.
Variant type: single nucleotide variant.
Coding change: c.4691G>A on transcript NM_000138.5 (MANE Select); coding-DNA position 4691, G replaced by A.
Protein change: p.Cys1564Tyr; replaces cysteine 1564 with tyrosine.
Molecular consequence: missense variant.
Genome position (GRCh38, 1-based): chr15:48,467,994, C>T on the plus strand (G>A on the coding strand, the complement: FBN1 is on the minus strand). VCF-style: chr15-48467994-C-T. GRCh37 (hg19) VCF-style: chr15-48760191-C-T.
Other names: short protein forms C1564Y.
Identifiers: ClinVar variation 457221 (VCV000457221.10), dbSNP rs267606800, ClinGen allele CA16609286.

ClinVar aggregate classification (germline): Pathogenic/Likely pathogenic. Review status: criteria provided, multiple submitters, no conflicts (2 of 4 stars). 3 submissions from 3 submitters: Pathogenic (1); Likely pathogenic (2). Last evaluated 2025-08-28.

Conditions:
Marfan syndrome (MFS). Also called: MARFAN SYNDROME, TYPE I; FBN1-Related Marfan Syndrome; Marfan syndrome type 1; Marfan's syndrome; Marfan syndrome, classic. Identifiers: Orphanet 284963, Orphanet 558, MedGen C0024796, MONDO:0007947, OMIM 154700.
Familial thoracic aortic aneurysm and aortic dissection (TAAD). Also called: Thoracic aortic aneurysms and dissections. Identifiers: Orphanet 91387, MedGen C4707243, MONDO:0019625.
FBN1-related disorder. Also called: FBN1-related disorders.

Allele frequency attached by ClinVar (database versions not stated): gnomAD exomes below 0.00001; TOPMed below 0.00001.
gnomAD v4.1: 1 of 1,614,164 alleles (0.000062%); highest among the groups gnomAD compares: Non-Finnish European, 0.000085%; no homozygotes.

Submissions (3):

Color Diagnostics, LLC DBA Color Health
Classification: Likely pathogenic for Familial thoracic aortic aneurysm and aortic dissection. Last evaluated: 2025-08-28. Review status: criteria provided, single submitter. Criteria: ACMG Guidelines, 2015. Collection method: clinical testing. Allele origin: germline.
Comment: This missense variant replaces cysteine with tyrosine at codon 1564 of the FBN1 protein. This variant alters a conserved cysteine residue in the TGFbeta-like domain 6. Cysteine-altering variants in the TGFbeta-like domains have been shown to affect protein stability and are overrepresented among patients with Marfan syndrome (PMID: 15161917, 16571647, 17701892). Computational prediction suggests that this variant may have deleterious impact on protein structure and function. A functional study has shown that this variant results in a reduction in the amount of fibrillin-1 secreted by fibroblast (PMID: 25979247). This variant has been reported in an individual affected with Marfan syndrome and descending aorta dilatation or dissection (PMID: 14695540). This variant has not been identified in the general population by the Genome Aggregation Database (gnomAD). Based on the available evidence, this variant is classified as Likely Pathogenic.

Blueprint Genetics
Classification: Likely pathogenic for FBN1-related disorders. Last evaluated: 2024-10-31. Review status: criteria provided, single submitter. Criteria: ACMG Guidelines, 2015. Collection method: clinical testing. Allele origin: germline. Affected: yes. Observed: 1 variant allele.

Labcorp Genetics (formerly Invitae), Labcorp
Classification: Pathogenic for Marfan syndrome; Familial thoracic aortic aneurysm and aortic dissection. Last evaluated: 2017-11-28. Review status: criteria provided, single submitter. Criteria: Invitae Variant Classification Sherloc (09022015). Collection method: clinical testing. Allele origin: germline.
Comment: This variant has been reported in individuals affected with FBN1-related conditions (PMID: 14695540, Invitae). For these reasons, this variant has been classified as Pathogenic. Experimental studies have shown that this missense change affects FBN1 protein stability (PMID: 25979247). This variant affects a cysteine residue located within a TGFBP domain of the FBN1 protein. Cysteine residues in these domains are believed to be involved in intramolecular disulfide bridges and to be important for FBN1 structure. Although the exact function of the FBN1 TGFBP domains has not being elucidated (PMID: 10930463, 27437668), missense substitutions within the TGFBP domains affecting cysteine residues are significantly overrepresented among patients with Marfan syndrome (PMID: 16571647, 17701892). This variant is not present in population databases (ExAC no frequency). This sequence change replaces cysteine with tyrosine at codon 1564 of the FBN1 protein (p.Cys1564Tyr). The cysteine residue is highly conserved and there is a large physicochemical difference between cysteine and tyrosine.

Literature cited by the submitters: PubMed 14695540 (cited by Color Diagnostics, LLC DBA Color Health and Labcorp Genetics (formerly Invitae), Labcorp); PubMed 15161917 (cited by Color Diagnostics, LLC DBA Color Health); PubMed 16571647 (cited by Color Diagnostics, LLC DBA Color Health and Labcorp Genetics (formerly Invitae), Labcorp); PubMed 17701892 (cited by Color Diagnostics, LLC DBA Color Health and Labcorp Genetics (formerly Invitae), Labcorp); PubMed 25979247 (cited by Color Diagnostics, LLC DBA Color Health and Labcorp Genetics (formerly Invitae), Labcorp); PubMed 10930463 (cited by Labcorp Genetics (formerly Invitae), Labcorp); PubMed 27437668 (cited by Labcorp Genetics (formerly Invitae), Labcorp).